The following is an entry in ClinVar:

NM_001130009.3(GEN1):c.2624dup (p.Ser876fs)

Gene: GEN1 (GEN1 structure-specific endonuclease; plus strand). Cytogenetic location: 2p24.2.
Variant type: Duplication.
Coding change: c.2624dup on transcript NM_001130009.3 (MANE Select); coding-DNA position 2624, one base duplicated (T; older notation c.2624dupT).
Protein change: p.Ser876fs; shifts the reading frame from serine 876.
Molecular consequence: frameshift variant.
Genome position (GRCh38, 1-based): chr2:17,781,836, T duplicated. VCF-style (leftmost placement, unchanged base first): chr2-17781835-C-CT. GRCh37 (hg19) VCF-style: chr2-17963102-C-CT.
Other names: c.2624dup, p.Ser876fs (NM_182625.5); short protein forms S876fs.
Identifiers: ClinVar variation 2884499 (VCV002884499.3), dbSNP rs757969802, ClinGen allele CA1540989.

ClinVar aggregate classification (germline): Uncertain significance (1 of 4 stars; one submission).

Allele frequency attached by ClinVar (database versions not stated): gnomAD exomes below 0.00001; ExAC 0.00001; TOPMed 0.00003; gnomAD 0.00005.

Submission:

Labcorp Genetics (formerly Invitae), Labcorp
Classification: Uncertain significance. Last evaluated: 2023-01-23. Review status: criteria provided, single submitter. Criteria: Invitae Variant Classification Sherloc (09022015). Collection method: clinical testing. Allele origin: germline.
Comment: In summary, the available evidence is currently insufficient to determine the role of this variant in disease. Therefore, it has been classified as a Variant of Uncertain Significance. Experimental studies and prediction algorithms are not available or were not evaluated, and the functional significance of this variant is currently unknown. This variant has not been reported in the literature in individuals affected with GEN1-related conditions. This variant is present in population databases (rs757969802, gnomAD 0.02%). This sequence change creates a premature translational stop signal (p.Ser876Glufs*7) in the GEN1 gene. While this is not anticipated to result in nonsense mediated decay, it is expected to disrupt the last 33 amino acid(s) of the GEN1 protein.